The following is an entry in ClinVar:

NM_000135.4(FANCA):c.2014+5G>A

Gene: FANCA (FA complementation group A; minus strand). Cytogenetic location: 16q24.3.
Variant type: single nucleotide variant.
Coding change: c.2014+5G>A on transcript NM_000135.4 (MANE Select); 5 bases into the intron after coding-DNA position 2014, G replaced by A.
Molecular consequence: intron variant.
Genome position (GRCh38, 1-based): chr16:89,773,266, C>T on the plus strand (G>A on the coding strand, the complement: FANCA is on the minus strand). VCF-style: chr16-89773266-C-T. GRCh37 (hg19) VCF-style: chr16-89839674-C-T.
Other names: c.2014+5G>A (NM_001286167.3).
Identifiers: ClinVar variation 2724857 (VCV002724857.1), dbSNP rs1321089557, ClinGen allele CA624250368.

ClinVar aggregate classification (germline): Uncertain significance (1 of 4 stars; one submission).

Conditions:
Fanconi anemia (FA). Also called: Fanconi's anemia. Identifiers: Orphanet 84, MedGen C0015625, MeSH D005199, MONDO:0019391.

Allele frequency attached by ClinVar (database versions not stated): TOPMed below 0.00001; gnomAD exomes 0.00001.
gnomAD v4.1: 8 of 1,547,706 alleles (0.00052%); highest among the groups gnomAD compares: Non-Finnish European, 0.00061%; no homozygotes.

Submission:

Labcorp Genetics (formerly Invitae), Labcorp
Classification: Uncertain significance for Fanconi anemia. Last evaluated: 2022-11-04. Review status: criteria provided, single submitter. Criteria: Invitae Variant Classification Sherloc (09022015). Collection method: clinical testing. Allele origin: germline.
Comment: This sequence change falls in intron 22 of the FANCA gene. It does not directly change the encoded amino acid sequence of the FANCA protein. It affects a nucleotide within the consensus splice site. In summary, the available evidence is currently insufficient to determine the role of this variant in disease. Therefore, it has been classified as a Variant of Uncertain Significance. Variants that disrupt the consensus splice site are a relatively common cause of aberrant splicing (PMID: 17576681, 9536098). Algorithms developed to predict the effect of sequence changes on RNA splicing suggest that this variant may create or strengthen a splice site. This variant has not been reported in the literature in individuals affected with FANCA-related conditions. This variant is present in population databases (no rsID available, gnomAD 0.004%).

Literature cited by the submitters: PubMed 17576681; PubMed 9536098.